The following is an entry in ClinVar:

NM_032776.3(JMJD1C):c.2879_2882del (p.Arg960fs)

Gene: JMJD1C (jumonji domain containing 1C; minus strand). Cytogenetic location: 10q21.3.
Variant type: Microsatellite.
Coding change: c.2879_2882del on transcript NM_032776.3 (MANE Select); coding-DNA positions 2879 to 2882, 4 bases deleted (GAAA; older notation c.2879_2882delGAAA).
Protein change: p.Arg960fs; shifts the reading frame from arginine 960.
Molecular consequence: frameshift variant. On other transcripts: non-coding transcript variant (1).
Genome position (GRCh38, 1-based): chr10:63,208,787-63,208,790, TTTC deleted on the plus strand (GAAA on the coding strand, the reverse complement: JMJD1C is on the minus strand); deleting any 4 consecutive bases within chr10:63,208,787-63,208,795 gives the same sequence; the c. name uses the placement nearest the transcript's 3' end. VCF-style (leftmost placement, unchanged base first): chr10-63208786-TTTTC-T. GRCh37 (hg19) VCF-style: chr10-64968546-TTTTC-T.
Other names: c.2333_2336del, p.Arg778fs (NM_001282948.2, NM_001318154.2); c.2015_2018del, p.Arg672fs (NM_001318153.2); c.2765_2768del, p.Arg922fs (NM_001322252.2); c.2222_2225del, p.Arg741fs (NM_001322254.2, NM_001322258.2); short protein forms R672fs, R741fs, R778fs, R922fs, R960fs.
Identifiers: ClinVar variation 3344542 (VCV003344542.1).

ClinVar aggregate classification (germline): Uncertain significance (0 of 4 stars; one submission).

Conditions:
JMJD1C-related disorder. Also called: JMJD1C-related condition.

Submission:

PreventionGenetics, part of Exact Sciences
Classification: Uncertain significance for JMJD1C-related condition. Last evaluated: 2024-05-24. Review status: no assertion criteria provided. Collection method: clinical testing. Allele origin: germline.
Comment: The JMJD1C c.2879_2882delGAAA variant is predicted to result in a frameshift and premature protein termination (p.Arg960Lysfs*21). To our knowledge, this variant has not been reported in the literature or in a large population database, indicating this variant is rare. Of note, JMJD1C is suggested to be highly intolerant to loss-of-function variants (pLI = 1 at gnomAD). However, only limited loss-of-function variants in this gene have been reported in relevant neurodevelopmental disorders. Although we suspect that this variant may be pathogenic, at this time, the clinical significance of this variant is uncertain due to the absence of conclusive functional and genetic evidence.